The following is an entry in ClinVar:

NM_004285.4(H6PD):c.422A>G (p.Tyr141Cys)

Gene: H6PD (hexose-6-phosphate dehydrogenase/glucose 1-dehydrogenase; plus strand). Cytogenetic location: 1p36.22.
Variant type: single nucleotide variant.
Coding change: c.422A>G on transcript NM_004285.4 (MANE Select); coding-DNA position 422, A replaced by G.
Protein change: p.Tyr141Cys; replaces tyrosine 141 with cysteine.
Molecular consequence: missense variant.
Genome position (GRCh38, 1-based): chr1:9,245,356, A>G. VCF-style: chr1-9245356-A-G. GRCh37 (hg19) VCF-style: chr1-9305415-A-G.
Other names: c.455A>G, p.Tyr152Cys (NM_001282587.2); c.422A>G (NM_004285.3); short protein forms Y141C, Y152C.
Identifiers: ClinVar variation 1443977 (VCV001443977.8), dbSNP rs144456985, ClinGen allele CA574939.

ClinVar aggregate classification (germline): Uncertain significance. Review status: criteria provided, multiple submitters, no conflicts (2 of 4 stars). 4 submissions from 4 submitters: Uncertain significance (4). Last evaluated 2025-09-24.

Conditions:
Inborn genetic diseases. Identifiers: MedGen C0950123, MeSH D030342.
Cortisone reductase deficiency 1 (CORTRD1). Identifiers: Orphanet 168588, MedGen C3551716, MONDO:0011503, OMIM 604931.

Allele frequency attached by ClinVar (database versions not stated): gnomAD 0.00015 and 0.00016; ESP Exome Variant Server 0.00023; TOPMed 0.00014; ExAC 0.00017.
gnomAD v4.1: 168 of 1,614,108 alleles (0.01%); highest among the groups gnomAD compares: South Asian, 0.033%; 1 homozygote.

Submissions (4):

Genesolutions, Medical Genetics Institutes, Ho Chi Minh City, Vietnam
Classification: Uncertain significance for Cortisone reductase deficiency 1. Last evaluated: 2025-09-24. Review status: criteria provided, single submitter. Criteria: ACMG Guidelines, 2015. Collection method: clinical testing. Allele origin: germline. Affected: yes.

GeneDx
Classification: Uncertain significance. Last evaluated: 2025-06-06. Review status: criteria provided, single submitter. Criteria: GeneDx Variant Classification Process June 2021. Collection method: clinical testing. Allele origin: germline. Affected: yes.
Comment: In silico analysis supports that this missense variant has a deleterious effect on protein structure/function; Has not been previously published as pathogenic or benign to our knowledge

Labcorp Genetics (formerly Invitae), Labcorp
Classification: Uncertain significance. Last evaluated: 2024-08-12. Review status: criteria provided, single submitter. Criteria: Invitae Variant Classification Sherloc (09022015). Collection method: clinical testing. Allele origin: germline.
Comment: This sequence change replaces tyrosine, which is neutral and polar, with cysteine, which is neutral and slightly polar, at codon 141 of the H6PD protein (p.Tyr141Cys). This variant is present in population databases (rs144456985, gnomAD 0.02%). This variant has not been reported in the literature in individuals affected with H6PD-related conditions. ClinVar contains an entry for this variant (Variation ID: 1443977). Advanced modeling of protein sequence and biophysical properties (such as structural, functional, and spatial information, amino acid conservation, physicochemical variation, residue mobility, and thermodynamic stability) performed at Invitae indicates that this missense variant is expected to disrupt H6PD protein function with a positive predictive value of 80%. In summary, the available evidence is currently insufficient to determine the role of this variant in disease. Therefore, it has been classified as a Variant of Uncertain Significance.

Ambry Genetics
Classification: Uncertain significance for Inborn genetic diseases. Last evaluated: 2024-03-29. Review status: criteria provided, single submitter. Criteria: Ambry Variant Classification Scheme 2023. Collection method: clinical testing. Allele origin: germline.